The following is an entry in ClinVar:

NM_017671.5(FERMT1):c.*1358T>G

Gene: FERMT1 (FERM domain containing kindlin 1; minus strand). Cytogenetic location: 20p12.3.
Variant type: single nucleotide variant.
Coding change: c.*1358T>G on transcript NM_017671.5 (MANE Select); 1358 bases downstream of the stop codon, T replaced by G.
Molecular consequence: 3 prime UTR variant.
Genome position (GRCh38, 1-based): chr20:6,075,815, A>C on the plus strand (T>G on the coding strand, the complement: FERMT1 is on the minus strand). VCF-style: chr20-6075815-A-C. GRCh37 (hg19) VCF-style: chr20-6056462-A-C.
Identifiers: ClinVar variation 898851 (VCV000898851.4), dbSNP rs113096626, ClinGen allele CA311210122.
Genomic context (GRCh38, chr20:6,075,815, plus strand): 5'-AACTGAAAAATGGGATTGGAGCTTTTGCCTTATCCTTACACCCCAAGTTCTTTGTGTGGC[A>C]GAACATCTATGAAAAAATAATAAAATATTGTCTGATATTTCCCTTTACTTCTGGTATTGC-3'

ClinVar aggregate classification (germline): Benign (1 of 4 stars; one submission).

Conditions:
Kindler syndrome (KNDLRS). Also called: Poikiloderma of Kindler; Congenital bullous poikiloderma; BULLOUS ACROKERATOTIC POIKILODERMA OF KINDLER AND WEARY; POIKILODERMA, CONGENITAL, WITH BULLAE, WEARY TYPE; POIKILODERMA, HEREDITARY ACROKERATOTIC; Hereditary acrokeratotic poikiloderma of Weary. Identifiers: Orphanet 2908, Orphanet 306539, MedGen C0406557, MONDO:0008260, OMIM 173650.

Allele frequency attached by ClinVar (database versions not stated): gnomAD 0.00367 and 0.00399; TOPMed 0.00410; 1000 Genomes Project 0.00439; 1000 Genomes Project 30x 0.00500.

Submission:

Illumina Laboratory Services, Illumina
Classification: Benign for Kindler syndrome. Last evaluated: 2017-04-27. Review status: criteria provided, single submitter. Criteria: ICSL Variant Classification Criteria 13 December 2019. Collection method: clinical testing. Allele origin: germline.
Comment: This variant was observed as part of a predisposition screen in an ostensibly healthy population. A literature search was performed for the gene, cDNA change, and amino acid change (where applicable). No publications were found based on this search. Allele frequency data from public databases was too high to be consistent with this variant causing disease. Therefore, this variant is classified as benign.